The following is an entry in ClinVar:

ClinVar aggregate classification (germline): Uncertain significance (1 of 4 stars; one submission).

Conditions:
Neuroblastoma, susceptibility to, 3. Also called: ALK-Related Neuroblastic Tumor Susceptibility. Identifiers: Orphanet 635, MedGen C2751681, MONDO:0013083, OMIM 613014.

Submission:

Labcorp Genetics (formerly Invitae), Labcorp
Classification: Uncertain significance for Neuroblastoma, susceptibility to, 3. Last evaluated: 2020-08-10. Review status: criteria provided, single submitter. Criteria: Invitae Variant Classification Sherloc (09022015). Collection method: clinical testing. Allele origin: germline.
Comment: In summary, the available evidence is currently insufficient to determine the role of this variant in disease. Therefore, it has been classified as a Variant of Uncertain Significance. This sequence change replaces aspartic acid with alanine at codon 998 of the ALK protein (p.Asp998Ala). The aspartic acid residue is highly conserved and there is a moderate physicochemical difference between aspartic acid and alanine. This variant is not present in population databases (ExAC no frequency). This variant has not been reported in the literature in individuals with ALK-related conditions. Algorithms developed to predict the effect of missense changes on protein structure and function (SIFT, PolyPhen-2, Align-GVGD) all suggest that this variant is likely to be disruptive, but these predictions have not been confirmed by published functional studies and their clinical significance is uncertain.

NM_004304.5(ALK):c.2993A>C (p.Asp998Ala)

Gene: ALK (ALK receptor tyrosine kinase; minus strand). Cytogenetic location: 2p23.2.
Variant type: single nucleotide variant.
Coding change: c.2993A>C on transcript NM_004304.5 (MANE Select); coding-DNA position 2993, A replaced by C.
Protein change: p.Asp998Ala; replaces aspartic acid 998 with alanine.
Molecular consequence: missense variant.
Genome position (GRCh38, 1-based): chr2:29,226,996, T>G on the plus strand (A>C on the coding strand, the complement: ALK is on the minus strand). VCF-style: chr2-29226996-T-G. GRCh37 (hg19) VCF-style: chr2-29449862-T-G.
Other names: short protein forms D998A.
Identifiers: ClinVar variation 1014055 (VCV001014055.8), dbSNP rs1664020706, ClinGen allele CA346467693.
Genomic context (GRCh38, chr2:29,226,996, plus strand): 5'-CCATCCTCAGCCAGCACCGTCCCGTGGTCACAGAAGCAGATGACCTTGTGGCTTTCAGGG[T>G]CCATGTGACATTCGTCTACCTCACAGTGACTGCAGTTTAGATAATGCTTAATATTCACTT-3'
Protein context (NP_004295.2, residues 988-1008): SHCEVDECHM[Asp998Ala]PESHKVICFC